The following is an entry in ClinVar:

ClinVar aggregate classification (germline): Likely pathogenic (1 of 4 stars; one submission).

Submission:

Quest Diagnostics Nichols Institute San Juan Capistrano
Classification: Likely pathogenic. Last evaluated: 2025-04-02. Review status: criteria provided, single submitter. Criteria: Quest Diagnostics criteria. Collection method: clinical testing. Allele origin: unknown.
Comment: The BRCA1 c.3113_3114del (p.Glu1038Glyfs*7) variant alters the translational reading frame of the BRCA1 mRNA and is predicted to cause the premature termination of BRCA1 protein synthesis. This variant has been reported in at least one individual in a cohort of patients with benign or malignant conditions of the ovaries, uterus, or fallopian tubes (PMID: 37310942 (2023)). This variant has not been reported in large, multi-ethnic general populations (Genome Aggregation Database). Based on the available information, this variant is classified as likely pathogenic.

Literature cited by the submitters: PubMed 37310942.

NM_007294.4(BRCA1):c.3113_3114del (p.Glu1038fs)

Gene: BRCA1 (BRCA1 DNA repair associated; minus strand). Cytogenetic location: 17q21.31.
Variant type: Deletion.
Coding change: c.3113_3114del on transcript NM_007294.4 (MANE Select); coding-DNA positions 3113 to 3114, 2 bases deleted (AA; older notation c.3113_3114delAA).
Protein change: p.Glu1038fs; shifts the reading frame from glutamic acid 1038.
Molecular consequence: frameshift variant. On other transcripts: intron variant (137).
Genome position (GRCh38, 1-based): chr17:43,092,417-43,092,418, TT deleted on the plus strand (AA on the coding strand, the reverse complement: BRCA1 is on the minus strand). VCF-style (leftmost placement, unchanged base first): chr17-43092416-CTT-C. GRCh37 (hg19) VCF-style: chr17-41244433-CTT-C.
Other names: c.3110_3111del, p.Glu1037fs (NM_001407614.1, NM_001407615.1, NM_001407632.1 and 22 more transcripts); c.3113_3114del, p.Glu1038fs (NM_001407616.1, NM_001407617.1, NM_001407618.1 and 30 more transcripts); c.3035_3036del, p.Glu1012fs (NM_001407653.1, NM_001407654.1, NM_001407655.1 and 4 more transcripts); c.3032_3033del, p.Glu1011fs (NM_001407659.1, NM_001407660.1, NM_001407661.1 and 1 more transcripts); c.2987_2988del, p.Glu996fs (NM_001407671.1, NM_001407672.1, NM_001407673.1 and 11 more transcripts); c.2990_2991del, p.Glu997fs (NM_001407674.1, NM_001407675.1, NM_001407676.1 and 19 more transcripts); c.2972_2973del, p.Glu991fs (NM_001407692.1, NM_001407694.1, NM_001407695.1 and 29 more transcripts); c.2969_2970del, p.Glu990fs (NM_001407740.1, NM_001407741.1, NM_001407742.1 and 20 more transcripts); and 42 more; short protein forms E991fs, E1038fs, E870fs, E910fs, E911fs, E927fs, E967fs, E970fs.
Identifiers: ClinVar variation 619625 (VCV000619625.4), dbSNP rs1567792876, ClinGen allele CA913190414.